The following is an entry in ClinVar:

ClinVar aggregate classification (germline): Uncertain significance (1 of 4 stars; one submission).

Conditions:
Hereditary cancer-predisposing syndrome. Also called: Tumor predisposition; Hereditary neoplastic syndrome; Neoplastic Syndromes, Hereditary; Hereditary Cancer Syndrome. Identifiers: Orphanet 140162, MedGen C0027672, MeSH D009386, MONDO:0015356.

Submission:

Ambry Genetics
Classification: Uncertain significance for Hereditary cancer-predisposing syndrome. Last evaluated: 2025-05-08. Review status: criteria provided, single submitter. Criteria: Ambry Variant Classification Scheme 2023. Collection method: clinical testing. Allele origin: germline.
Comment: The p.C116R variant (also known as c.346T>C), located in coding exon 3 of the EPCAM gene, results from a T to C substitution at nucleotide position 346. The cysteine at codon 116 is replaced by arginine, an amino acid with highly dissimilar properties. This amino acid position is conserved. In addition, this alteration is predicted to be deleterious by in silico analysis. Based on the available evidence, the clinical significance of this variant remains unclear.

NM_002354.3(EPCAM):c.346T>C (p.Cys116Arg)

Gene: EPCAM (epithelial cell adhesion molecule; plus strand). Cytogenetic location: 2p21.
Variant type: single nucleotide variant.
Coding change: c.346T>C on transcript NM_002354.3 (MANE Select); coding-DNA position 346, T replaced by C.
Protein change: p.Cys116Arg; replaces cysteine 116 with arginine.
Molecular consequence: missense variant.
Genome position (GRCh38, 1-based): chr2:47,373,969, T>C. VCF-style: chr2-47373969-T-C. GRCh37 (hg19) VCF-style: chr2-47601108-T-C.
Other names: short protein forms C116R.
Identifiers: ClinVar variation 4018576 (VCV004018576.1).
Genomic context (GRCh38, chr2:47,373,969, plus strand): 5'-GATCCTGACTGCGATGAGAGCGGGCTCTTTAAGGCCAAGCAGTGCAACGGCACCTCCATG[T>C]GCTGGTGTGTGAACACTGCTGGGGTCAGAAGAACAGACAAGGACACTGAAATAACCTGCT-3'
Protein context (NP_002345.2, residues 106-126): KAKQCNGTSM[Cys116Arg]WCVNTAGVRR